The following is an entry in ClinVar:

NM_030667.3(PTPRO):c.76-67403G>A

Gene: PTPRO (protein tyrosine phosphatase receptor type O; plus strand). Cytogenetic location: 12p12.3.
Variant type: single nucleotide variant.
Coding change: c.76-67403G>A on transcript NM_030667.3 (MANE Select); 67403 bases into the intron before coding-DNA position 76, G replaced by A.
Molecular consequence: intron variant.
Genome position (GRCh38, 1-based): chr12:15,416,571, G>A. VCF-style: chr12-15416571-G-A. GRCh37 (hg19) VCF-style: chr12-15569505-G-A.
Other names: c.76-67403G>A (NM_002848.4).
Identifiers: ClinVar variation 2630196 (VCV002630196.1), dbSNP rs113605455, ClinGen allele CA233487091.

ClinVar aggregate classification (germline): Uncertain significance (1 of 4 stars; one submission).

Conditions:
PTPRO-related disorder. Also called: PTPRO-related condition.

Allele frequency attached by ClinVar (database versions not stated): TOPMed 0.00007; gnomAD 0.00008; 1000 Genomes Project 30x 0.00031; 1000 Genomes Project 0.00040.
gnomAD v4.1: 12 of 151,410 alleles (0.0079%); highest among the groups gnomAD compares: African/African-American, 0.029%; 1 homozygote.

Submission:

PreventionGenetics, part of Exact Sciences
Classification: Uncertain significance for PTPRO-related condition. Last evaluated: 2023-01-19. Review status: criteria provided, single submitter. Criteria: ACMG Guidelines, 2015. Collection method: clinical testing. Allele origin: germline.
Comment: The PTPRO c.76-67403G>A variant is predicted to interfere with splicing. This variant is predicted to create a cryptic splice acceptor site (Alamut Visual v1.6.1). To our knowledge, this variant has not been reported in the literature or in a large population database, indicating this variant is rare. At this time, the clinical significance of this variant is uncertain due to the absence of conclusive functional and genetic evidence.